The following continues an entry in ClinVar:

NM_000071.3(CBS):c.341C>T (p.Ala114Val)

Gene: CBS. ClinVar aggregate classification (germline): Pathogenic/Likely pathogenic. Pathogenic (18); Likely pathogenic (4).

Submissions 7 to 24 of 24:

PreventionGenetics, part of Exact Sciences
Classification: Pathogenic for CBS-related condition. Last evaluated: 2024-12-17. Review status: criteria provided, single submitter. Criteria: ACMG Guidelines, 2015. Collection method: clinical testing. Allele origin: germline.
Comment: The CBS c.341C>T variant is predicted to result in the amino acid substitution p.Ala114Val. This variant has been reported in the homozygous state and in the heterozygous state along with a second CBS variant in individuals with pyridoxine-responsive homocystinuria (Kozich et al. 1993. PubMed ID: 8353501; Reuter et al. 2017. PubMed ID: 28097321, eTable 1 and 2). Experimental studies using recombinant bacterial systems suggest that this variant leads to mild protein unfolding, mild protein instability, and reduced enzymatic activity (Kozich et al. 2010. PubMed ID: 20506325, Table 1; Hnízda et al. 2011. PubMed ID: 22069143; Hnízda et al. 2012. PubMed ID: 22612060). This variant is reported in 0.036% of alleles in individuals of European (Non-Finnish) descent in gnomAD. This variant is interpreted as pathogenic.

Blueprint Genetics
Classification: Likely pathogenic for CBS-related disorders. Last evaluated: 2024-11-28. Review status: criteria provided, single submitter. Criteria: ACMG Guidelines, 2015. Collection method: clinical testing. Allele origin: germline. Affected: yes. Observed: 5 variant alleles.

Baylor Genetics
Classification: Pathogenic for Classic homocystinuria. Last evaluated: 2024-03-30. Review status: criteria provided, single submitter. Criteria: ACMG Guidelines, 2015. Collection method: clinical testing. Allele origin: unknown.

Laboratory of Medical Genetics, National & Kapodistrian University of Athens
Classification: Pathogenic for Classic homocystinuria. Last evaluated: 2024-02-01. Review status: criteria provided, single submitter. Criteria: ACMG Guidelines, 2015. Collection method: curation. Allele origin: germline. Affected: no.

Department of Pathology and Laboratory Medicine, Sinai Health System
Classification: Pathogenic for Classic homocystinuria. Last evaluated: 2023-03-13. Review status: criteria provided, single submitter. Criteria: ACMG Guidelines, 2015. Collection method: research. Allele origin: germline.

Institute for Clinical Genetics, University Hospital TU Dresden, University Hospital TU Dresden
Classification: Pathogenic. Last evaluated: 2023-02-14. Review status: criteria provided, single submitter. Criteria: ACMG Guidelines, 2015. Collection method: clinical testing. Allele origin: germline.
Comment: PM3, PS3, PP3, PS4, PM2_SUP

Institute of Medical Genetics and Applied Genomics, University Hospital Tübingen
Classification: Pathogenic. Last evaluated: 2020-10-23. Review status: criteria provided, single submitter. Criteria: ACMG Guidelines, 2015. Collection method: clinical testing. Allele origin: germline. Inheritance: Unknown mechanism. Affected: yes.

Victorian Clinical Genetics Services, Murdoch Childrens Research Institute
Classification: Pathogenic for Classic homocystinuria. Last evaluated: 2020-10-15. Review status: criteria provided, single submitter. Criteria: ACMG Guidelines, 2015. Collection method: clinical testing. Allele origin: germline. Inheritance: Autosomal recessive inheritance.
Comment: Based on the classification scheme VCGS_Germline_v1.3.3, this variant is classified as Pathogenic. Following criteria are met: 0102 - Loss of function is a known mechanism of disease in this gene and is associated with B6-responsive and non-responsive types homocystinuria, and hyperhomocysteinemic thrombosis (MIM#236200). (I) 0106 - This gene is associated with autosomal recessive disease. (I) 0200 - Variant is predicted to result in a missense amino acid change from alanine to valine. (I) 0251 - This variant is heterozygous. (I) 0304 - Variant is present in gnomAD (v2) <0.01 for a recessive condition (61 heterozygotes, 0 homozygotes). (SP) 0309 - Alternative amino acid changes at the same position have been observed in gnomAD (v2) (3 heterozygotes, 0 homozygotes). (I) 0502 - Missense variant with conflicting in silico predictions and uninformative conservation. (I) 0600 - Variant is located in the annotated PALP domain (PDB). (I) 0704 - Another missense variant comparable to the one identified in this case has limited previous evidence for pathogenicity. An alternative change at the same residue (p.Ala114Thr) has been reported as likely pathogenic (ClinVar). (SP) 0801 - This variant has strong previous evidence of pathogenicity in unrelated individuals. This variant has been reported as pathogenic multiple times, in patients with homocystinuria (ClinVar, LOVD, PMID: 32232970). (SP) 1002 - This variant has moderate functional evidence supporting abnormal protein function. This variant has been proven to have mild effects on function, reducing enzyme activity, tetramer formation and protein instability (PMID: 22069143). (I) Legend: (SP) - Supporting pathogenic, (I) - Information, (SB) - Supporting benign

Mayo Clinic Laboratories, Mayo Clinic
Classification: Pathogenic. Last evaluated: 2020-05-21. Review status: criteria provided, single submitter. Criteria: ACMG Guidelines, 2015. Collection method: clinical testing. Allele origin: germline. Observed: 1 variant allele.
Comment: PS3, PS4_moderate, PM3_verystrong, PP3, PP4

Institute of Human Genetics, University of Leipzig Medical Center
Classification: Pathogenic for Classic homocystinuria. Last evaluated: 2020-03-01. Review status: criteria provided, single submitter. Criteria: ACMG Guidelines, 2015. Collection method: clinical testing. Allele origin: biparental. Inheritance: Autosomal recessive inheritance. Affected: yes.
Comment: Review of the variants reported in Reuter et al., 2017, PMID: 28097321: PS3,PS4_moderate,PM2,PM3,PP3

Centre for Mendelian Genomics, University Medical Centre Ljubljana
Classification: Pathogenic for Classic homocystinuria. Last evaluated: 2019-08-16. Review status: criteria provided, single submitter. Criteria: ACMG Guidelines, 2015. Collection method: clinical testing. Allele origin: unknown. Affected: yes.
Comment: This variant was classified as: Pathogenic. The following ACMG criteria were applied in classifying this variant: PS1,PS3,PM2,PM5.

Fulgent Genetics
Classification: Pathogenic for Classic homocystinuria. Last evaluated: 2018-10-31. Review status: criteria provided, single submitter. Criteria: ACMG Guidelines, 2015. Collection method: clinical testing. Allele origin: unknown.

Genomic Research Center, Shahid Beheshti University of Medical Sciences
Classification: Pathogenic for HYPERHOMOCYSTEINEMIA, THROMBOTIC, CBS-RELATED. Last evaluated: 2017-12-03. Review status: criteria provided, single submitter. Criteria: ACMG Guidelines, 2015. Collection method: clinical testing. Allele origin: inherited.

Soonchunhyang University Bucheon Hospital, Soonchunhyang University Medical Center
Classification: Likely pathogenic for Classic homocystinuria. Last evaluated: 2016-03-18. Review status: criteria provided, single submitter. Criteria: ACMG Guidelines, 2015. Collection method: reference population. Allele origin: germline. Observed: 1 variant allele.

Women's Health and Genetics/Laboratory Corporation of America, LabCorp
Classification: Pathogenic for Homocystinuria. Last evaluated: 2016-01-26. Review status: criteria provided, single submitter. Criteria: LabCorp Variant Classification Summary - May 2015. Collection method: clinical testing. Allele origin: germline.
Comment: Variant summary: The c.341C>T in CBS gene is a missense variant that involves a highly conserved nucleotide and 4/5 in silico tools predict deleterious outcome. The variant was observed in the large and broad cohorts of the ExAC ans ESP projects at an allele frequency of 0.027%. This frequency does not exceed the maximal expected allele frequency for a pathogenic variant in CBS (0.3%).suggesting this variant is not a common polymorphism. The variant has been reported in several affected individuals presented with features suggestive of Cystathionine--synthase deficiency. Functional studies performed in bacteria-based system showed slight misfolding of the recombinant protein and low enzymatic activity. The variant of interest has been reported as Pathogenic by several reputable databases/diagnostic centers.Taking together, the variant was classified as Pathogenic.

Kariminejad - Najmabadi Pathology & Genetics Center
Classification: Likely pathogenic for Classic homocystinuria. Review status: criteria provided, single submitter. Criteria: ACMG Guidelines, 2015. Collection method: clinical testing. Allele origin: germline. Affected: no.

Counsyl
Classification: Likely pathogenic for Classic homocystinuria. Last evaluated: 2017-03-01. Review status: no assertion criteria provided. Collection method: clinical testing. Allele origin: unknown. Not counted in ClinVar's aggregate classification.

OMIM
Classification: Pathogenic for HOMOCYSTINURIA, PYRIDOXINE-RESPONSIVE. Last evaluated: 1993-06-01. Review status: no assertion criteria provided. Collection method: literature only. Allele origin: germline. Not counted in ClinVar's aggregate classification.

Literature cited by the submitters: PubMed 7762555 (cited by 4 submitters); PubMed 8353501 (cited by 9 submitters); PubMed 20490928 (cited by 6 submitters); PubMed 20506325 (cited by 7 submitters); PubMed 22069143 (cited by 5 submitters); PubMed 22267502 (cited by 5 submitters); PubMed 22612060 (cited by 5 submitters); PubMed 9587029 (cited by 3 submitters); PubMed 11535567 (cited by Natera, Inc.); PubMed 20567906 (cited by Natera, Inc.); PubMed 33868930 (cited by Natera, Inc.); PubMed 10408774 (cited by 3 submitters); PubMed 11359213 (cited by Ambry Genetics); PubMed 12686134 (cited by Ambry Genetics and Counsyl); PubMed 14722927 (cited by Ambry Genetics and Women's Health and Genetics/Laboratory Corporation of America, LabCorp); PubMed 14739681 (cited by Ambry Genetics and Mayo Clinic Laboratories, Mayo Clinic); PubMed 16307898 (cited by 4 submitters); PubMed 16479318 (cited by Ambry Genetics and Mayo Clinic Laboratories, Mayo Clinic); PubMed 20066033 (cited by Ambry Genetics); PubMed 20308073 (cited by Ambry Genetics); PubMed 22985361 (cited by Ambry Genetics); PubMed 25087612 (cited by Ambry Genetics and Mayo Clinic Laboratories, Mayo Clinic); PubMed 25331909 (cited by Ambry Genetics); PubMed 27959664 (cited by 3 submitters); PubMed 28097321 (cited by Ambry Genetics and Mayo Clinic Laboratories, Mayo Clinic); PubMed 34426522 (cited by Ambry Genetics); PubMed 3746065 (cited by Dasa); PubMed 32232970 (cited by Victorian Clinical Genetics Services, Murdoch Childrens Research Institute and Mayo Clinic Laboratories, Mayo Clinic); PubMed 10338090 (cited by Mayo Clinic Laboratories, Mayo Clinic); PubMed 17069888 (cited by Mayo Clinic Laboratories, Mayo Clinic).